The following is an entry in ClinVar:

NM_004036.5(ADCY3):c.2406C>T (p.Tyr802=)

Gene: ADCY3 (adenylate cyclase 3; minus strand). Cytogenetic location: 2p23.3.
Variant type: single nucleotide variant.
Coding change: c.2406C>T on transcript NM_004036.5 (MANE Select); coding-DNA position 2406, C replaced by T.
Protein change: p.Tyr802=; no amino-acid change (tyrosine 802 retained).
Molecular consequence: synonymous variant. On other transcripts: intron variant (1).
Genome position (GRCh38, 1-based): chr2:24,827,928, G>A on the plus strand (C>T on the coding strand, the complement: ADCY3 is on the minus strand). VCF-style: chr2-24827928-G-A. GRCh37 (hg19) VCF-style: chr2-25050797-G-A.
Other names: c.2406C>T (NM_001320613.1); c.2406C>T, p.Tyr802= (NM_001320613.2, NM_001377132.1); c.2472C>T, p.Tyr824= (NM_001377128.1); c.2268C>T, p.Tyr756= (NM_001377129.1); c.1683C>T, p.Tyr561= (NM_001377131.1); c.2172+2781C>T (NM_001377130.1).
Identifiers: ClinVar variation 1647251 (VCV001647251.10), dbSNP rs377506465, ClinGen allele CA1553787.

ClinVar aggregate classification (germline): Likely benign. Review status: criteria provided, single submitter (1 of 4 stars). 2 submissions from 2 submitters: Likely benign (1). 1 of the submissions does not count toward it. Last evaluated 2025-07-03.

Conditions:
ADCY3-related disorder. Also called: ADCY3-related condition.

Allele frequency attached by ClinVar (database versions not stated): gnomAD 0.00001; gnomAD exomes 0.00002 and 0.00003; TOPMed 0.00003; ExAC 0.00004; ESP Exome Variant Server 0.00015.
gnomAD v4.1: 26 of 1,614,060 alleles (0.0016%); highest among the groups gnomAD compares: Admixed American, 0.0083%; no homozygotes.

Submissions (2):

Labcorp Genetics (formerly Invitae), Labcorp
Classification: Likely benign. Last evaluated: 2025-07-03. Review status: criteria provided, single submitter. Criteria: Invitae Variant Classification Sherloc (09022015). Collection method: clinical testing. Allele origin: germline.

PreventionGenetics, part of Exact Sciences
Classification: Likely benign for ADCY3-related condition. Last evaluated: 2020-07-23. Review status: no assertion criteria provided. Collection method: clinical testing. Allele origin: germline. Not counted in ClinVar's aggregate classification.
Comment: This variant is classified as likely benign based on ACMG/AMP sequence variant interpretation guidelines (Richards et al. 2015 PMID: 25741868, with internal and published modifications).